The following is an entry in ClinVar:

ClinVar aggregate classification (germline): Uncertain significance (1 of 4 stars; one submission).

Conditions:
Familial cancer of breast. Also called: hereditary breast carcinoma; BREAST CANCER, FAMILIAL; Hereditary breast cancer. Identifiers: Orphanet 227535, MedGen C0346153, MONDO:0016419, OMIM 114480. Disease mechanism: loss of function.
Fanconi anemia complementation group J. Also called: BRIP1-Related Fanconi Anemia. Identifiers: Orphanet 84, MedGen C1836860, MONDO:0012187, OMIM 609054.

Submission:

Labcorp Genetics (formerly Invitae), Labcorp
Classification: Uncertain significance for Familial cancer of breast; Fanconi anemia, complementation group J. Last evaluated: 2018-06-18. Review status: criteria provided, single submitter. Criteria: Invitae Variant Classification Sherloc (09022015). Collection method: clinical testing. Allele origin: germline.
Comment: This variant is a gross duplication of the genomic region encompassing exons 2-14 of the BRIP1 gene. The 5' end of this event is unknown as it extends beyond the assayed region for this gene and therefore may encompass additional genes. The 3' boundary is likely confined to intron 14 of the BRIP1 gene. The exact location of this variant in the genome is unknown. This variant has not been reported in the literature in individuals with BRIP1-related disease. Experimental studies and prediction algorithms are not available for this variant, and the functional significance of the duplicated amino acids is currently unknown. In summary, the available evidence is currently insufficient to determine the role of this variant in disease. Therefore, it has been classified as a Variant of Uncertain Significance.

NC_000017.10:g.(?_59853752)_(59938910_?)dup

Genes: BRIP1 (BRCA1 interacting DNA helicase 1; minus strand), LOC110120932 (VISTA enhancer hs778; plus strand), LOC130061360 (ATAC-STARR-seq lymphoblastoid active region 12535; plus strand). Cytogenetic location: 17q23.2.
Variant type: Duplication.
Identifiers: ClinVar variation 583769 (VCV000583769.2).